The following is an entry in ClinVar:

ClinVar aggregate classification (germline): Uncertain significance. Review status: criteria provided, multiple submitters, no conflicts (2 of 4 stars). 2 submissions from 2 submitters: Uncertain significance (2). Last evaluated 2024-08-14.

Allele frequency attached by ClinVar (database versions not stated): ExAC 0.00002.
gnomAD v4.1: 4 of 1,614,022 alleles (0.00025%); highest among the groups gnomAD compares: Non-Finnish European, 0.00025%; no homozygotes.

Submissions (2):

Ambry Genetics
Classification: Uncertain significance. Last evaluated: 2024-08-14. Review status: criteria provided, single submitter. Criteria: Ambry Variant Classification Scheme 2023. Collection method: clinical testing. Allele origin: germline.

Labcorp Genetics (formerly Invitae), Labcorp
Classification: Uncertain significance. Last evaluated: 2023-05-23. Review status: criteria provided, single submitter. Criteria: Invitae Variant Classification Sherloc (09022015). Collection method: clinical testing. Allele origin: germline.
Comment: In summary, the available evidence is currently insufficient to determine the role of this variant in disease. Therefore, it has been classified as a Variant of Uncertain Significance. An algorithm developed to predict the effect of missense changes on protein structure and function (PolyPhen-2) suggests that this variant is likely to be tolerated. This variant has not been reported in the literature in individuals affected with NIN-related conditions. This variant is present in population databases (rs763888716, gnomAD 0.003%). This sequence change replaces histidine, which is basic and polar, with glutamine, which is neutral and polar, at codon 904 of the NIN protein (p.His904Gln).

NM_020921.4(NIN):c.2712T>G (p.His904Gln)

Gene: NIN (ninein; minus strand). Cytogenetic location: 14q22.1.
Variant type: single nucleotide variant.
Coding change: c.2712T>G on transcript NM_020921.4 (MANE Select); coding-DNA position 2712, T replaced by G.
Protein change: p.His904Gln; replaces histidine 904 with glutamine.
Molecular consequence: missense variant. On other transcripts: intron variant (1).
Genome position (GRCh38, 1-based): chr14:50,758,318, A>C on the plus strand (T>G on the coding strand, the complement: NIN is on the minus strand). VCF-style: chr14-50758318-A-C. GRCh37 (hg19) VCF-style: chr14-51225036-A-C.
Other names: c.2712T>G (NM_020921.3); c.2712T>G, p.His904Gln (NM_182946.2, NM_182944.3); c.2399+1539T>G (NM_016350.5); short protein forms H904Q.
Identifiers: ClinVar variation 3011889 (VCV003011889.4), dbSNP rs763888716, ClinGen allele CA7181876.